The following is an entry in ClinVar:

ClinVar aggregate classification (germline): Uncertain significance (1 of 4 stars; one submission).

Submission:

GeneDx
Classification: Uncertain significance. Last evaluated: 2024-08-21. Review status: criteria provided, single submitter. Criteria: GeneDx Variant Classification Process June 2021. Collection method: clinical testing. Allele origin: germline. Affected: yes.
Comment: Not observed at significant frequency in large population cohorts (gnomAD); In silico analysis supports that this missense variant has a deleterious effect on protein structure/function; Has not been previously published as pathogenic or benign to our knowledge

NM_001367721.1(CASK):c.1898G>T (p.Cys633Phe)

Gene: CASK (calcium/calmodulin dependent serine protein kinase; minus strand). Cytogenetic location: Xp11.4.
Variant type: single nucleotide variant.
Coding change: c.1898G>T on transcript NM_001367721.1 (MANE Select); coding-DNA position 1898, G replaced by T.
Protein change: p.Cys633Phe; replaces cysteine 633 with phenylalanine.
Molecular consequence: missense variant.
Genome position (GRCh38, 1-based): chrX:41,553,860, C>A on the plus strand (G>T on the coding strand, the complement: CASK is on the minus strand). VCF-style: chrX-41553860-C-A. GRCh37 (hg19) VCF-style: chrX-41413113-C-A.
Other names: c.1829G>T, p.Cys610Phe (NM_001126054.3); c.1811G>T, p.Cys604Phe (NM_001126055.3); c.1880G>T, p.Cys627Phe (NM_001410745.1); c.1898G>T, p.Cys633Phe (NM_003688.4); short protein forms C604F, C610F, C627F, C633F.
Identifiers: ClinVar variation 3764189 (VCV003764189.1).